The following is an entry in ClinVar:

NM_138694.4(PKHD1):c.2650del (p.Asp884fs)

Gene: PKHD1 (PKHD1 ciliary IPT domain containing fibrocystin/polyductin; minus strand). Cytogenetic location: 6p12.2.
Variant type: Deletion.
Coding change: c.2650del on transcript NM_138694.4 (MANE Select); coding-DNA position 2650, one base deleted (G; older notation c.2650delG).
Protein change: p.Asp884fs; shifts the reading frame from aspartic acid 884.
Molecular consequence: frameshift variant.
Genome position (GRCh38, 1-based): chr6:52,045,031, C deleted on the plus strand (G on the coding strand, the reverse complement: PKHD1 is on the minus strand). VCF-style (leftmost placement, unchanged base first): chr6-52045030-TC-T. GRCh37 (hg19) VCF-style: chr6-51909828-TC-T.
Other names: c.2650del, p.Asp884fs (NM_170724.3); short protein forms D884fs.
Identifiers: ClinVar variation 5011485 (VCV005011485.1).
Genomic context (GRCh38, chr6:52,045,030, plus strand): 5'-GTATGCTGGTTGGCAGTAGCCAACATGTCTCCAAATATGGGTCCAAGAAAAACTCCACCA[TC>T]ATATACCACACGCGTGGCTGCAGCAGGATTCACTCCAGTAAGGTTTTCATCAGAGACCTG-3'

ClinVar aggregate classification (germline): Pathogenic (1 of 4 stars; one submission).

Conditions:
Polycystic kidney disease 4 (PKD4). Also called: POLYCYSTIC KIDNEY AND HEPATIC DISEASE 1; POLYCYSTIC KIDNEY DISEASE, INFANTILE, TYPE I; POLYCYSTIC KIDNEY DISEASE 4 WITH OR WITHOUT POLYCYSTIC LIVER DISEASE; PKD3; Autosomal Recessive Polycystic Kidney Disease – PKHD1. Identifiers: MedGen C4540575, MONDO:0033004, OMIM 263200.

Submission:

Myriad Genetics, Inc.
Classification: Pathogenic for Polycystic kidney disease 4. Last evaluated: 2023-08-28. Review status: criteria provided, single submitter. Criteria: Myriad Autosomal Dominant, Autosomal Recessive and X-Linked Classification Criteria (2023). Collection method: clinical testing. Allele origin: unknown.
Comment: NM_138694.3(PKHD1):c.2650delG(D884Mfs*27) is expected to be pathogenic in the context of autosomal recessive polycystic kidney disease, PKHD1-related. This variant is predicted to lead to an abnormal or absent protein product due to the creation of a premature termination codon in PKHD1, a gene where loss-of-function variants are known to be pathogenic. Please note: this variant was assessed in the context of healthy population screening.